The following is an entry in ClinVar:

NM_000484.4(APP):c.2253G>C (p.Lys751Asn)

Gene: APP (amyloid beta precursor protein; minus strand). Cytogenetic location: 21q21.3.
Variant type: single nucleotide variant.
Coding change: c.2253G>C on transcript NM_000484.4 (MANE Select); coding-DNA position 2253, G replaced by C.
Protein change: p.Lys751Asn; replaces lysine 751 with asparagine.
Molecular consequence: missense variant.
Genome position (GRCh38, 1-based): chr21:25,881,730, C>G on the plus strand (G>C on the coding strand, the complement: APP is on the minus strand). VCF-style: chr21-25881730-C-G. GRCh37 (hg19) VCF-style: chr21-27254041-C-G.
Other names: c.2181G>C, p.Lys727Asn (NM_001136016.3); c.1860G>C, p.Lys620Asn (NM_001136129.3); c.2085G>C, p.Lys695Asn (NM_001136130.3, NM_001385253.1); c.1923G>C, p.Lys641Asn (NM_001136131.3); c.2199G>C, p.Lys733Asn (NM_001204301.2); c.2142G>C, p.Lys714Asn (NM_001204302.2); c.1974G>C, p.Lys658Asn (NM_001204303.2); c.2196G>C, p.Lys732Asn (NM_201413.3); and 1 more; short protein forms K620N, K641N, K658N, K676N, K695N, K714N, K727N, K732N.
Identifiers: ClinVar variation 1305617 (VCV001305617.5), dbSNP rs1381242897, ClinGen allele CA409863677.

ClinVar aggregate classification (germline): Uncertain significance. Review status: criteria provided, multiple submitters, no conflicts (2 of 4 stars). 2 submissions from 2 submitters: Uncertain significance (2). Last evaluated 2025-08-17.

Conditions:
Alzheimer disease. Also called: Presenile and senile dementia; Alzheimer's disease. Identifiers: Orphanet 1020, MedGen C0002395, MeSH D000544, MONDO:0004975, HP:0002511.

Allele frequency attached by ClinVar (database versions not stated): gnomAD exomes below 0.00001 and 0.00001; TOPMed 0.00001.
gnomAD v4.1: 8 of 1,613,994 alleles (0.0005%); highest among the groups gnomAD compares: Non-Finnish European, 0.000085%; no homozygotes.

Submissions (2):

Labcorp Genetics (formerly Invitae), Labcorp
Classification: Uncertain significance for Alzheimer disease. Last evaluated: 2025-08-17. Review status: criteria provided, single submitter. Criteria: Invitae Variant Classification Sherloc (09022015). Collection method: clinical testing. Allele origin: germline.
Comment: This sequence change replaces lysine, which is basic and polar, with asparagine, which is neutral and polar, at codon 751 of the APP protein (p.Lys751Asn). This variant is present in population databases (no rsID available, gnomAD 0.01%). This variant has not been reported in the literature in individuals affected with APP-related conditions. ClinVar contains an entry for this variant (Variation ID: 1305617). Invitae Evidence Modeling of protein sequence and biophysical properties (such as structural, functional, and spatial information, amino acid conservation, physicochemical variation, residue mobility, and thermodynamic stability) indicates that this missense variant is expected to disrupt APP protein function with a positive predictive value of 95%. In summary, the available evidence is currently insufficient to determine the role of this variant in disease. Therefore, it has been classified as a Variant of Uncertain Significance.

GeneDx
Classification: Uncertain significance. Last evaluated: 2019-05-03. Review status: criteria provided, single submitter. Criteria: GeneDx Variant Classification Process June 2021. Collection method: clinical testing. Allele origin: germline. Affected: yes.
Comment: In silico analysis, which includes protein predictors and evolutionary conservation, supports a deleterious effect; Has not been previously published as pathogenic or benign to our knowledge